The following is an entry in ClinVar:

NM_003242.6(TGFBR2):c.914T>C (p.Leu305Pro)

Gene: TGFBR2 (transforming growth factor beta receptor 2; plus strand). Cytogenetic location: 3p24.1.
Variant type: single nucleotide variant.
Coding change: c.914T>C on transcript NM_003242.6 (MANE Select); coding-DNA position 914, T replaced by C.
Protein change: p.Leu305Pro; replaces leucine 305 with proline.
Molecular consequence: missense variant. On other transcripts: intron variant (1).
Genome position (GRCh38, 1-based): chr3:30,672,097, T>C. VCF-style: chr3-30672097-T-C. GRCh37 (hg19) VCF-style: chr3-30713589-T-C.
Other names: c.989T>C, p.Leu330Pro (NM_001024847.3); c.1097T>C, p.Leu366Pro (NM_001407126.1); c.1022T>C, p.Leu341Pro (NM_001407127.1); c.941T>C, p.Leu314Pro (NM_001407128.1); c.917T>C, p.Leu306Pro (NM_001407129.1); c.914T>C, p.Leu305Pro (NM_001407130.1); c.809T>C, p.Leu270Pro (NM_001407132.1, NM_001407133.1, NM_001407134.1 and 2 more transcripts); c.629T>C, p.Leu210Pro (NM_001407137.1); and 2 more; short protein forms L185P, L306P, L330P, L341P, L210P, L314P, L366P, L270P.
Identifiers: ClinVar variation 2747583 (VCV002747583.3), dbSNP rs1553630174, ClinGen allele CA351808158.

ClinVar aggregate classification (germline): Likely pathogenic (1 of 4 stars; one submission).

Conditions:
Familial thoracic aortic aneurysm and aortic dissection (TAAD). Also called: Thoracic aortic aneurysms and dissections. Identifiers: Orphanet 91387, MedGen C4707243, MONDO:0019625.

Submission:

Labcorp Genetics (formerly Invitae), Labcorp
Classification: Likely pathogenic for Familial thoracic aortic aneurysm and aortic dissection. Last evaluated: 2023-11-20. Review status: criteria provided, single submitter. Criteria: Invitae Variant Classification Sherloc (09022015). Collection method: clinical testing. Allele origin: germline.
Comment: This sequence change replaces leucine, which is neutral and non-polar, with proline, which is neutral and non-polar, at codon 305 of the TGFBR2 protein (p.Leu305Pro). This variant is not present in population databases (gnomAD no frequency). This missense change has been observed in individual(s) with aortic dissection (Invitae). Advanced modeling of protein sequence and biophysical properties (such as structural, functional, and spatial information, amino acid conservation, physicochemical variation, residue mobility, and thermodynamic stability) performed at Invitae indicates that this missense variant is expected to disrupt TGFBR2 protein function with a positive predictive value of 95%. This variant disrupts the p.Leu305 amino acid residue in TGFBR2. Other variant(s) that disrupt this residue have been determined to be pathogenic (PMID: 29339704; Invitae). This suggests that this residue is clinically significant, and that variants that disrupt this residue are likely to be disease-causing. In summary, the currently available evidence indicates that the variant is pathogenic, but additional data are needed to prove that conclusively. Therefore, this variant has been classified as Likely Pathogenic.

Literature cited by the submitters: PubMed 29339704.